The following is an entry in ClinVar:

ClinVar aggregate classification (germline): Pathogenic (1 of 4 stars; one submission).

Conditions:
Recurrent metabolic encephalomyopathic crises-rhabdomyolysis-cardiac arrhythmia-intellectual disability syndrome (MECRCN). Also called: Metabolic encephalomyopathic crises, recurrent, with rhabdomyolysis, cardiac arrhythmias, and neurodegeneration; METABOLIC CRISES, RECURRENT, WITH RHABDOMYOLYSIS, CARDIAC ARRHYTHMIAS, AND NEURODEGENERATION; TANGO2 Deficiency. Identifiers: Orphanet 480864, MedGen C5567524, MONDO:0018820, OMIM 616878.

Submission:

Women's Health and Genetics/Laboratory Corporation of America, LabCorp
Classification: Pathogenic for Recurrent metabolic encephalomyopathic crises-rhabdomyolysis-cardiac arrhythmia-intellectual disability syndrome. Last evaluated: 2025-09-02. Review status: criteria provided, single submitter. Criteria: LabCorp Variant Classification Summary - May 2015. Collection method: clinical testing. Allele origin: germline.
Comment: Variant summary: The variant involves the deletion of exons 3-9 in the TANGO2 gene. A presumed nomenclature of c.(56+1_57-1)_(*2503_?)del has been designated for the purposes of this classification. The exact breakpoint at the distal 3' end of this variant is unknown, therefore this deletion may extend downstream of the annotated region of the gene. As it encompasses the termination codon, it is predicted to escape nonsense mediated decay (NMD). A variant allele involving the deletion of exons 3-9 was found at a frequency of 0.00059 in 20386 control chromosomes. This frequency is not significantly higher than estimated for disease-causing variants in TANGO2. c.(56+1_57-1)_(*2503_?)del has been observed in individuals affected with Recurrent Metabolic Encephalomyopathic Crises-Rhabdomyolysis Arrhythmia-Intellectual Disability Syndrome (e.g. Kremer_2016, Mingirulli_2019). These data indicate that the variant is likely to be associated with disease. The following publications have been ascertained in the context of this evaluation (PMID: 26805782, 31339582). ClinVar contains an entry for this variant (Variation ID: 1456250). Based on the evidence outlined above, the variant was classified as pathogenic.

Literature cited by the submitters: PubMed 26805782; PubMed 31339582.

NC_000022.10:g.(20024378_20030877)_(20054688_?)del

Gene: TANGO2 (transport and golgi organization 2 homolog; plus strand). Cytogenetic location: 22q11.21.
Variant type: Deletion.
Identifiers: ClinVar variation 4535883 (VCV004535883.1).